The following is an entry in ClinVar:

ClinVar aggregate classification (germline): Uncertain significance (1 of 4 stars; one submission).

Conditions:
Severe combined immunodeficiency due to DNA-PKcs deficiency. Also called: IMMUNODEFICIENCY 26 WITH NEUROLOGIC ABNORMALITIES; Immunodeficiency 26 with or without neurologic abnormalities. Identifiers: Orphanet 317425, MedGen C4014833, MONDO:0014423, OMIM 615966.

Submission:

Labcorp Genetics (formerly Invitae), Labcorp
Classification: Uncertain significance for Severe combined immunodeficiency due to DNA-PKcs deficiency. Last evaluated: 2022-05-06. Review status: criteria provided, single submitter. Criteria: Invitae Variant Classification Sherloc (09022015). Collection method: clinical testing. Allele origin: germline.
Comment: This variant has not been reported in the literature in individuals affected with PRKDC-related conditions. This variant is not present in population databases (gnomAD no frequency). This sequence change replaces isoleucine, which is neutral and non-polar, with serine, which is neutral and polar, at codon 3178 of the PRKDC protein (p.Ile3178Ser). In summary, the available evidence is currently insufficient to determine the role of this variant in disease. Therefore, it has been classified as a Variant of Uncertain Significance. Experimental studies and prediction algorithms are not available or were not evaluated, and the functional significance of this variant is currently unknown.

NM_006904.7(PRKDC):c.9533T>G (p.Ile3178Ser)

Gene: PRKDC (protein kinase, DNA-activated, catalytic subunit; minus strand). Cytogenetic location: 8q11.21.
Variant type: single nucleotide variant.
Coding change: c.9533T>G on transcript NM_006904.7 (MANE Select); coding-DNA position 9533, T replaced by G.
Protein change: p.Ile3178Ser; replaces isoleucine 3178 with serine.
Molecular consequence: missense variant.
Genome position (GRCh38, 1-based): chr8:47,817,474, A>C on the plus strand (T>G on the coding strand, the complement: PRKDC is on the minus strand). VCF-style: chr8-47817474-A-C. GRCh37 (hg19) VCF-style: chr8-48730035-A-C.
Other names: c.9533T>G, p.Ile3178Ser (NM_001081640.2); short protein forms I3178S.
Identifiers: ClinVar variation 2134550 (VCV002134550.4), dbSNP rs1001246819, ClinGen allele CA371137002.